The following is an entry in ClinVar:

NM_001195263.2(PDZD7):c.2843G>C (p.Arg948Thr)

Gene: PDZD7 (PDZ domain containing 7; minus strand). Cytogenetic location: 10q24.31.
Variant type: single nucleotide variant.
Coding change: c.2843G>C on transcript NM_001195263.2 (MANE Select); coding-DNA position 2843, G replaced by C.
Protein change: p.Arg948Thr; replaces arginine 948 with threonine.
Molecular consequence: missense variant.
Genome position (GRCh38, 1-based): chr10:101,008,726, C>G on the plus strand (G>C on the coding strand, the complement: PDZD7 is on the minus strand). VCF-style: chr10-101008726-C-G. GRCh37 (hg19) VCF-style: chr10-102768483-C-G.
Other names: short protein forms R948T.
Identifiers: ClinVar variation 1375079 (VCV001375079.6), dbSNP rs1318559327, ClinGen allele CA378223233.

ClinVar aggregate classification (germline): Uncertain significance (1 of 4 stars; one submission).

Submission:

Labcorp Genetics (formerly Invitae), Labcorp
Classification: Uncertain significance. Last evaluated: 2022-06-27. Review status: criteria provided, single submitter. Criteria: Invitae Variant Classification Sherloc (09022015). Collection method: clinical testing. Allele origin: germline.
Comment: This variant is not present in population databases (gnomAD no frequency). In summary, the available evidence is currently insufficient to determine the role of this variant in disease. Therefore, it has been classified as a Variant of Uncertain Significance. Algorithms developed to predict the effect of missense changes on protein structure and function are either unavailable or do not agree on the potential impact of this missense change (SIFT: "Deleterious"; PolyPhen-2: "Not Available"; Align-GVGD: "Class C0"). This variant has not been reported in the literature in individuals affected with PDZD7-related conditions. This sequence change replaces arginine, which is basic and polar, with threonine, which is neutral and polar, at codon 948 of the PDZD7 protein (p.Arg948Thr).